The following continues an entry in ClinVar:

NM_024577.4(SH3TC2):c.3380G>A (p.Arg1127Gln)

Gene: SH3TC2. ClinVar aggregate classification (germline): Conflicting classifications of pathogenicity. Likely pathogenic (1); Uncertain significance (9); Likely benign (6).

Submissions 12 to 16 of 16:

Practice for Gait Abnormalities, David Pomarino, Competency Network Toe Walking C/o Practice Pomarino
Classification: Likely pathogenic for Tip-toe gait. Last evaluated: 2020-10-06. Review status: criteria provided, single submitter. Criteria: ACMG Guidelines, 2015. Collection method: clinical testing. Allele origin: paternal, unknown. Affected: yes. Observed: 3 variant alleles, 3 heterozygotes. Clinical features observed: Pes cavus (HP:0001761), Clinodactyly (HP:0030084), limited range of motion of the upper ankle, Hyperlordosis (HP:0003307), Pectus excavatum (HP:0000767), Delayed speech and language development (HP:0000750), Limited range of motions of the upper ankle.
Comment: We conducted a clinical examination of patients about toe walking. The SH3TC2:c.3380G>A was detected in 3 patients. We also examined a control group of children without toe walking (100 children). In this group this variant could not be identified. Hereditary motor sensory neuropathy (HMSN), also known as Charcot-Marie-Tooth Disease (CMT), is the most commonly inherited peripheral polyneuropathy. It constitutes a group of inherited, progressive, motor and sensory peripheral nerve disorders with properties of demyelination, axonal degeneration, or both. It is classified by clinical characteristics, modes of inheritance, electrophysiologic features, metabolic defects, and specific gene markers. Our patients all walk on tiptoe, so they show similar symptoms. When we genetically test them with our toe walking panel, we find that around 90 per cent of them have a genetic variant that explains their toe walking. These can be assigned, for example, to the area of myopathies (such as variants of the COL6A3 gene), the area of hereditary neuropathies (such as variants of the KMT2C gene) or the area of metabolic diseases (such as variants of the PYGM gene). In a smaller group of patients with almost identical symptoms, no abnormality is found in the genes of our panel, but spastic paraplegia can be detected. In another small group of our toe walkers, no abnormalities can be detected in the genes analysed in our toe walking panel, nor do they suffer from spastic paraplegia, as is also the case with healthy children. In contrast to these, however, they show a tiptoe gait. These patients suffer from infantile cerebral palsy, in which toe walking can also be observed.

Baylor Genetics
Classification: Uncertain significance for Charcot-Marie-Tooth disease type 4C. Last evaluated: 2018-11-05. Review status: criteria provided, single submitter. Criteria: ACMG Guidelines, 2015. Collection method: clinical testing. Allele origin: maternal. Affected: yes.
Comment: This variant was determined to be of uncertain significance according to ACMG Guidelines, 2015 [PMID:25741868].

Illumina Laboratory Services, Illumina
Classification: Uncertain significance for Charcot-Marie-Tooth disease type 4C. Last evaluated: 2018-01-13. Review status: criteria provided, single submitter. Criteria: ICSL Variant Classification Criteria 13 December 2019. Collection method: clinical testing. Allele origin: germline.

Illumina Laboratory Services, Illumina
Classification: Likely benign for Susceptibility to mononeuropathy of the median nerve, mild. Last evaluated: 2018-01-13. Review status: criteria provided, single submitter. Criteria: ICSL Variant Classification Criteria 13 December 2019. Collection method: clinical testing. Allele origin: germline.
Comment: This variant was observed in the ICSL laboratory as part of a predisposition screen in an ostensibly healthy population. It had not been previously curated by ICSL or reported in the Human Gene Mutation Database (HGMD: prior to June 1st, 2018), and was therefore a candidate for classification through an automated scoring system. Utilizing variant allele frequency, disease prevalence and penetrance estimates, and inheritance mode, an automated score was calculated to assess if this variant is too frequent to cause the disease. Based on the score and internal cut-off values, a variant classified as likely benign is not then subjected to further curation. The score for this variant resulted in a classification of likely benign for this disease.

Molecular Genetics Laboratory, London Health Sciences Centre
Classification: Uncertain significance for Charcot-Marie-Tooth disease. Review status: criteria provided, single submitter. Criteria: ACMG Guidelines, 2015. Collection method: clinical testing. Allele origin: germline. Affected: yes.

Literature cited by the submitters: PubMed 26392352 (cited by 3 submitters); PubMed 31827005 (cited by 3 submitters); PubMed 32376792 (cited by 3 submitters); PubMed 29590070 (cited by Athena Diagnostics); PubMed 26872463 (cited by Practice for Gait Abnormalities, David Pomarino, Competency Network Toe Walking C/o Practice Pomarino); DOI 10.3238/oup.2019.0380-0382 (cited by Practice for Gait Abnormalities, David Pomarino, Competency Network Toe Walking C/o Practice Pomarino).